The following is an entry in ClinVar:

NM_001164508.2(NEB):c.5992G>C (p.Glu1998Gln)

Gene: NEB (nebulin; minus strand). Cytogenetic location: 2q23.3.
Variant type: single nucleotide variant.
Coding change: c.5992G>C on transcript NM_001164508.2 (MANE Select); coding-DNA position 5992, G replaced by C.
Protein change: p.Glu1998Gln; replaces glutamic acid 1998 with glutamine.
Molecular consequence: missense variant.
Genome position (GRCh38, 1-based): chr2:151,659,148, C>G on the plus strand (G>C on the coding strand, the complement: NEB is on the minus strand). VCF-style: chr2-151659148-C-G. GRCh37 (hg19) VCF-style: chr2-152515662-C-G.
Other names: c.5992G>C, p.Glu1998Gln (NM_001164507.2, NM_001271208.2, NM_004543.5); short protein forms E1998Q.
Identifiers: ClinVar variation 2917443 (VCV002917443.3), dbSNP rs1440657055, ClinGen allele CA348803403.

ClinVar aggregate classification (germline): Uncertain significance (1 of 4 stars; one submission).

Conditions:
Nemaline myopathy 2 (NEM2). Also called: Nemaline myopathy 2, autosomal recessive. Identifiers: MedGen C1850569, MONDO:0009725, OMIM 256030.

Allele frequency attached by ClinVar (database versions not stated): gnomAD exomes below 0.00001; TOPMed 0.00001.
gnomAD v4.1: 2 of 1,612,130 alleles (0.00012%); highest among the groups gnomAD compares: African/African-American, 0.0013%; no homozygotes.

Submission:

Labcorp Genetics (formerly Invitae), Labcorp
Classification: Uncertain significance for Nemaline myopathy 2. Last evaluated: 2023-01-25. Review status: criteria provided, single submitter. Criteria: Invitae Variant Classification Sherloc (09022015). Collection method: clinical testing. Allele origin: germline.
Comment: This variant has not been reported in the literature in individuals affected with NEB-related conditions. In summary, the available evidence is currently insufficient to determine the role of this variant in disease. Therefore, it has been classified as a Variant of Uncertain Significance. Algorithms developed to predict the effect of missense changes on protein structure and function are either unavailable or do not agree on the potential impact of this missense change (SIFT: "Deleterious"; PolyPhen-2: "Not Available"; Align-GVGD: "Class C0"). This variant is not present in population databases (gnomAD no frequency). This sequence change replaces glutamic acid, which is acidic and polar, with glutamine, which is neutral and polar, at codon 1998 of the NEB protein (p.Glu1998Gln).